The following is an entry in ClinVar:

NM_016247.4(IMPG2):c.2458C>G (p.Pro820Ala)

Gene: IMPG2 (interphotoreceptor matrix proteoglycan 2; minus strand). Cytogenetic location: 3q12.3.
Variant type: single nucleotide variant.
Coding change: c.2458C>G on transcript NM_016247.4 (MANE Select); coding-DNA position 2458, C replaced by G.
Protein change: p.Pro820Ala; replaces proline 820 with alanine.
Molecular consequence: missense variant.
Genome position (GRCh38, 1-based): chr3:101,243,873, G>C on the plus strand (C>G on the coding strand, the complement: IMPG2 is on the minus strand). VCF-style: chr3-101243873-G-C. GRCh37 (hg19) VCF-style: chr3-100962717-G-C.
Other names: short protein forms P820A.
Identifiers: ClinVar variation 1002157 (VCV001002157.8), dbSNP rs773849682, ClinGen allele CA353857116.

ClinVar aggregate classification (germline): Uncertain significance (1 of 4 stars; one submission).

gnomAD v4.1: 1 of 1,614,148 alleles (0.000062%); highest among the groups gnomAD compares: Admixed American, 0.0017%; no homozygotes.

Submission:

Labcorp Genetics (formerly Invitae), Labcorp
Classification: Uncertain significance. Last evaluated: 2024-04-25. Review status: criteria provided, single submitter. Criteria: Invitae Variant Classification Sherloc (09022015). Collection method: clinical testing. Allele origin: germline.
Comment: This sequence change replaces proline, which is neutral and non-polar, with alanine, which is neutral and non-polar, at codon 820 of the IMPG2 protein (p.Pro820Ala). This variant is present in population databases (no rsID available, gnomAD 0.003%). This variant has not been reported in the literature in individuals affected with IMPG2-related conditions. ClinVar contains an entry for this variant (Variation ID: 1002157). Advanced modeling of protein sequence and biophysical properties (such as structural, functional, and spatial information, amino acid conservation, physicochemical variation, residue mobility, and thermodynamic stability) has been performed at Invitae for this missense variant, however the output from this modeling did not meet the statistical confidence thresholds required to predict the impact of this variant on IMPG2 protein function. In summary, the available evidence is currently insufficient to determine the role of this variant in disease. Therefore, it has been classified as a Variant of Uncertain Significance.